The following is an entry in ClinVar:

ClinVar aggregate classification (germline): Uncertain significance. Review status: criteria provided, multiple submitters, no conflicts (2 of 4 stars). 2 submissions from 2 submitters: Uncertain significance (2). Last evaluated 2026-08-22.

Conditions:
Cardiovascular phenotype. Identifiers: MedGen CN230736.

Allele frequency attached by ClinVar (database versions not stated): TOPMed 0.00001.
gnomAD v4.1: 6 of 1,550,396 alleles (0.00039%); highest among the groups gnomAD compares: Non-Finnish European, 0.00052%; no homozygotes.

Submissions (2):

Ambry Genetics
Classification: Uncertain significance for Cardiovascular phenotype. Last evaluated: 2026-08-22. Review status: criteria provided, single submitter. Criteria: Ambry Variant Classification Scheme 2023. Collection method: clinical testing. Allele origin: germline.
Comment: The p.R1745I variant (also known as c.5234G>T), located in coding exon 2 of the ZNF469 gene, results from a G to T substitution at nucleotide position 5234. The arginine at codon 1745 is replaced by isoleucine, an amino acid with similar properties. This amino acid position is conserved. In addition, this alteration is predicted to be tolerated by in silico analysis. Based on the available evidence, the clinical significance of this variant remains unclear.

Labcorp Genetics (formerly Invitae), Labcorp
Classification: Uncertain significance. Last evaluated: 2022-02-04. Review status: criteria provided, single submitter. Criteria: Invitae Variant Classification Sherloc (09022015). Collection method: clinical testing. Allele origin: germline.
Comment: In summary, the available evidence is currently insufficient to determine the role of this variant in disease. Therefore, it has been classified as a Variant of Uncertain Significance. Algorithms developed to predict the effect of missense changes on protein structure and function are either unavailable or do not agree on the potential impact of this missense change (SIFT: "Tolerated"; PolyPhen-2: "Possibly Damaging"; Align-GVGD: "Class C0"). This variant has not been reported in the literature in individuals affected with ZNF469-related conditions. This variant is present in population databases (no rsID available, gnomAD 0.004%). This sequence change replaces arginine, which is basic and polar, with isoleucine, which is neutral and non-polar, at codon 1745 of the ZNF469 protein (p.Arg1745Ile).

NM_001367624.2(ZNF469):c.5318G>T (p.Arg1773Ile)

Gene: ZNF469 (zinc finger protein 469; plus strand). Cytogenetic location: 16q24.2.
Variant type: single nucleotide variant.
Coding change: c.5318G>T on transcript NM_001367624.2 (MANE Select); coding-DNA position 5318, G replaced by T.
Protein change: p.Arg1773Ile; replaces arginine 1773 with isoleucine.
Molecular consequence: missense variant.
Genome position (GRCh38, 1-based): chr16:88,432,788, G>T. VCF-style: chr16-88432788-G-T. GRCh37 (hg19) VCF-style: chr16-88499196-G-T.
Other names: NM_001127464.1:c.5234G>T; short protein forms R1773I.
Identifiers: ClinVar variation 2093078 (VCV002093078.3), dbSNP rs1234933921, ClinGen allele CA397096759.